The following is an entry in ClinVar:

NM_025099.6(CTC1):c.1617+5G>A

Gene: CTC1 (CST telomere replication complex component 1; minus strand). Cytogenetic location: 17p13.1.
Variant type: single nucleotide variant.
Coding change: c.1617+5G>A on transcript NM_025099.6 (MANE Select); 5 bases into the intron after coding-DNA position 1617, G replaced by A.
Molecular consequence: intron variant.
Genome position (GRCh38, 1-based): chr17:8,234,744, C>T on the plus strand (G>A on the coding strand, the complement: CTC1 is on the minus strand). VCF-style: chr17-8234744-C-T. GRCh37 (hg19) VCF-style: chr17-8138062-C-T.
Identifiers: ClinVar variation 2065765 (VCV002065765.7), dbSNP rs766214390, ClinGen allele CA8372308.

ClinVar aggregate classification (germline): Uncertain significance. Review status: criteria provided, multiple submitters, no conflicts (2 of 4 stars). 3 submissions from 3 submitters: Uncertain significance (3). Last evaluated 2024-04-15.

Conditions:
Dyskeratosis congenita. Identifiers: Orphanet 1775, MedGen C0265965, MONDO:0015780.
Cerebroretinal microangiopathy with calcifications and cysts 1 (CRMCC1). Identifiers: Orphanet 313838, MedGen C4552029, MONDO:0024564, OMIM 612199.

Allele frequency attached by ClinVar (database versions not stated): ExAC 0.00001; gnomAD 0.00001; TOPMed 0.00001; gnomAD exomes 0.00002.
gnomAD v4.1: 34 of 1,587,166 alleles (0.0021%); highest among the groups gnomAD compares: Non-Finnish European, 0.0028%; no homozygotes.

Submissions (4):

Fulgent Genetics
Classification: Uncertain significance for Cerebroretinal microangiopathy with calcifications and cysts 1. Last evaluated: 2024-04-15. Review status: criteria provided, single submitter. Criteria: ACMG Guidelines, 2015. Collection method: clinical testing. Allele origin: germline.

Labcorp Genetics (formerly Invitae), Labcorp
Classification: Uncertain significance for Dyskeratosis congenita. Last evaluated: 2022-04-20. Review status: criteria provided, single submitter. Criteria: Invitae Variant Classification Sherloc (09022015). Collection method: clinical testing. Allele origin: germline.
Comment: In summary, the available evidence is currently insufficient to determine the role of this variant in disease. Therefore, it has been classified as a Variant of Uncertain Significance. Variants that disrupt the consensus splice site are a relatively common cause of aberrant splicing (PMID: 17576681, 9536098). Algorithms developed to predict the effect of sequence changes on RNA splicing suggest that this variant may disrupt the consensus splice site. This variant has not been reported in the literature in individuals affected with CTC1-related conditions. This variant is not present in population databases (gnomAD no frequency). This sequence change falls in intron 9 of the CTC1 gene. It does not directly change the encoded amino acid sequence of the CTC1 protein. It affects a nucleotide within the consensus splice site.

Department of Pathology and Laboratory Medicine, Sinai Health System
Classification: Uncertain significance for Cerebroretinal microangiopathy with calcifications and cysts 1. Last evaluated: 2021-10-05. Review status: criteria provided, single submitter. Criteria: ACMG Guidelines, 2015. Collection method: research. Allele origin: germline.

Dr. Peter K. Rogan Lab, Western University
No classification provided (evidence only). Condition: Clear cell carcinoma of kidney. Review status: no classification provided. Collection method: in vitro. Allele origin: not applicable. Functional consequence: skipped exon. Not counted in ClinVar's aggregate classification.

Literature cited by the submitters: PubMed 17576681 (cited by Labcorp Genetics (formerly Invitae), Labcorp); PubMed 9536098 (cited by Labcorp Genetics (formerly Invitae), Labcorp).